The following is an entry in ClinVar:

NM_000179.3(MSH6):c.350del (p.Gly117fs)

Gene: MSH6 (mutS homolog 6; plus strand). Cytogenetic location: 2p16.3.
Variant type: Deletion.
Coding change: c.350del on transcript NM_000179.3 (MANE Select); coding-DNA position 350, one base deleted (G; older notation c.350delG).
Protein change: p.Gly117fs; shifts the reading frame from glycine 117.
Molecular consequence: frameshift variant. On other transcripts: 5 prime UTR variant (7), non-coding transcript variant (5), intron variant (6).
Genome position (GRCh38, 1-based): chr2:47,791,016, G deleted; the last of 2 consecutive G bases (chr2:47,791,015-47,791,016); deleting either gives the same sequence. VCF-style (leftmost placement, unchanged base first): chr2-47791014-TG-T. GRCh37 (hg19) VCF-style: chr2-48018153-TG-T.
Other names: c.53del, p.Gly18fs (NM_001406821.1, NM_001406822.1, NM_001406824.1 and 10 more transcripts); c.-387del (NM_001406823.1, NM_001406829.1, NM_001281493.2 and 1 more transcripts); c.182del, p.Gly61fs (NM_001406826.1); c.350del, p.Gly117fs (NM_001407362.1, NM_001406796.1, NM_001406798.1 and 6 more transcripts); c.-553del (NM_001281494.2); c.446del, p.Gly149fs (NM_001406795.1, NM_001406802.1); c.272del, p.Gly91fs (NM_001406804.1); c.-579del (NM_001406807.1); and 6 more; short protein forms G117fs, G149fs, G18fs, G91fs, G61fs.
Identifiers: ClinVar variation 2759630 (VCV002759630.3), dbSNP rs2530435300, ClinGen allele CA2697548113.

ClinVar aggregate classification (germline): Pathogenic (1 of 4 stars; one submission).

Conditions:
Hereditary nonpolyposis colorectal neoplasms. Identifiers: MedGen C0009405, MeSH D003123.

Submission:

Labcorp Genetics (formerly Invitae), Labcorp
Classification: Pathogenic for Hereditary nonpolyposis colorectal neoplasms. Last evaluated: 2024-07-08. Review status: criteria provided, single submitter. Criteria: Invitae Variant Classification Sherloc (09022015). Collection method: clinical testing. Allele origin: germline.
Comment: This sequence change creates a premature translational stop signal (p.Gly117Glufs*32) in the MSH6 gene. It is expected to result in an absent or disrupted protein product. Loss-of-function variants in MSH6 are known to be pathogenic (PMID: 18269114, 24362816). This variant is not present in population databases (gnomAD no frequency). This variant has not been reported in the literature in individuals affected with MSH6-related conditions. For these reasons, this variant has been classified as Pathogenic.

Literature cited by the submitters: PubMed 18269114; PubMed 24362816.